The following is an entry in ClinVar:

NM_001365276.2(TNXB):c.6753C>T (p.Gly2251=)

Gene: TNXB (tenascin XB; minus strand). Cytogenetic location: 6p21.33.
Variant type: single nucleotide variant.
Coding change: c.6753C>T on transcript NM_001365276.2 (MANE Select); coding-DNA position 6753, C replaced by T.
Protein change: p.Gly2251=; no amino-acid change (glycine 2251 retained).
Molecular consequence: synonymous variant.
Genome position (GRCh38, 1-based): chr6:32,064,909, G>A on the plus strand (C>T on the coding strand, the complement: TNXB is on the minus strand). VCF-style: chr6-32064909-G-A. GRCh37 (hg19) VCF-style: chr6-32032686-G-A.
Other names: c.6753C>T, p.Gly2251= (NM_019105.8).
Identifiers: ClinVar variation 3052854 (VCV003052854.2), dbSNP rs2483537026, ClinGen allele CA449733326.

ClinVar aggregate classification (germline): Likely benign (0 of 4 stars; one submission).

Conditions:
TNXB-related disorder. Also called: TNXB-related condition.

Submission:

PreventionGenetics, part of Exact Sciences
Classification: Likely benign for TNXB-related condition. Last evaluated: 2023-04-10. Review status: no assertion criteria provided. Collection method: clinical testing. Allele origin: germline.
Comment: This variant is classified as likely benign based on ACMG/AMP sequence variant interpretation guidelines (Richards et al. 2015 PMID: 25741868, with internal and published modifications).